The following is an entry in ClinVar:

NM_018943.3(TUBA8):c.926A>C (p.His309Pro)

Gene: TUBA8 (tubulin alpha 8; plus strand). Cytogenetic location: 22q11.21.
Variant type: single nucleotide variant.
Coding change: c.926A>C on transcript NM_018943.3 (MANE Select); coding-DNA position 926, A replaced by C.
Protein change: p.His309Pro; replaces histidine 309 with proline.
Molecular consequence: missense variant.
Genome position (GRCh38, 1-based): chr22:18,126,904, A>C. VCF-style: chr22-18126904-A-C. GRCh37 (hg19) VCF-style: chr22-18609671-A-C.
Other names: c.728A>C, p.His243Pro (NM_001193414.2); short protein forms H243P, H309P.
Identifiers: ClinVar variation 1478604 (VCV001478604.8), dbSNP rs752617563, ClinGen allele CA10093790.

ClinVar aggregate classification (germline): Uncertain significance (1 of 4 stars; one submission).

Allele frequency attached by ClinVar (database versions not stated): ExAC 0.00002.
gnomAD v4.1: 52 of 1,612,100 alleles (0.0032%); highest among the groups gnomAD compares: Non-Finnish European, 0.0043%; no homozygotes.

Submission:

Labcorp Genetics (formerly Invitae), Labcorp
Classification: Uncertain significance. Last evaluated: 2024-02-17. Review status: criteria provided, single submitter. Criteria: Invitae Variant Classification Sherloc (09022015). Collection method: clinical testing. Allele origin: germline.
Comment: This sequence change replaces histidine, which is basic and polar, with proline, which is neutral and non-polar, at codon 309 of the TUBA8 protein (p.His309Pro). This variant is present in population databases (rs752617563, gnomAD 0.007%). This variant has not been reported in the literature in individuals affected with TUBA8-related conditions. ClinVar contains an entry for this variant (Variation ID: 1478604). Advanced modeling of protein sequence and biophysical properties (such as structural, functional, and spatial information, amino acid conservation, physicochemical variation, residue mobility, and thermodynamic stability) performed at Invitae indicates that this missense variant is not expected to disrupt TUBA8 protein function with a negative predictive value of 80%. In summary, the available evidence is currently insufficient to determine the role of this variant in disease. Therefore, it has been classified as a Variant of Uncertain Significance.